The following is an entry in ClinVar:

ClinVar aggregate classification (germline): Uncertain significance. Review status: criteria provided, multiple submitters, no conflicts (2 of 4 stars). 2 submissions from 2 submitters: Uncertain significance (2). Last evaluated 2025-11-15.

Conditions:
Inborn genetic diseases. Identifiers: MedGen C0950123, MeSH D030342.

Allele frequency attached by ClinVar (database versions not stated): gnomAD exomes 0.00001; ExAC 0.00002; gnomAD 0.00004; TOPMed 0.00005; ESP Exome Variant Server 0.00008.
gnomAD v4.1: 16 of 1,612,898 alleles (0.00099%); highest among the groups gnomAD compares: African/African-American, 0.019%; no homozygotes.

Submissions (2):

Labcorp Genetics (formerly Invitae), Labcorp
Classification: Uncertain significance. Last evaluated: 2025-11-15. Review status: criteria provided, single submitter. Criteria: Invitae Variant Classification Sherloc (09022015). Collection method: clinical testing. Allele origin: germline.
Comment: This sequence change replaces lysine, which is basic and polar, with asparagine, which is neutral and polar, at codon 893 of the LRP2 protein (p.Lys893Asn). This variant is present in population databases (rs145925834, gnomAD 0.03%). This variant has not been reported in the literature in individuals affected with LRP2-related conditions. ClinVar contains an entry for this variant (Variation ID: 1951031). Invitae Evidence Modeling of protein sequence and biophysical properties (such as structural, functional, and spatial information, amino acid conservation, physicochemical variation, residue mobility, and thermodynamic stability) indicates that this missense variant is not expected to disrupt LRP2 protein function with a negative predictive value of 80%. In summary, the available evidence is currently insufficient to determine the role of this variant in disease. Therefore, it has been classified as a Variant of Uncertain Significance.

Ambry Genetics
Classification: Uncertain significance for Inborn genetic diseases. Last evaluated: 2025-01-08. Review status: criteria provided, single submitter. Criteria: Ambry Variant Classification Scheme 2023. Collection method: clinical testing. Allele origin: germline.

NM_004525.3(LRP2):c.2679A>C (p.Lys893Asn)

Gene: LRP2 (LDL receptor related protein 2; minus strand). Cytogenetic location: 2q31.1.
Variant type: single nucleotide variant.
Coding change: c.2679A>C on transcript NM_004525.3 (MANE Select); coding-DNA position 2679, A replaced by C.
Protein change: p.Lys893Asn; replaces lysine 893 with asparagine.
Molecular consequence: missense variant.
Genome position (GRCh38, 1-based): chr2:169,256,197, T>G on the plus strand (A>C on the coding strand, the complement: LRP2 is on the minus strand). VCF-style: chr2-169256197-T-G. GRCh37 (hg19) VCF-style: chr2-170112707-T-G.
Other names: c.2679A>C (NM_004525.2); short protein forms K893N.
Identifiers: ClinVar variation 1951031 (VCV001951031.4), dbSNP rs145925834, ClinGen allele CA1955233.